The following is an entry in ClinVar:

NM_139318.5(KCNH5):c.1427C>G (p.Ala476Gly)

Gene: KCNH5 (potassium voltage-gated channel subfamily H member 5; minus strand). Cytogenetic location: 14q23.2.
Variant type: single nucleotide variant.
Coding change: c.1427C>G on transcript NM_139318.5 (MANE Select); coding-DNA position 1427, C replaced by G.
Protein change: p.Ala476Gly; replaces alanine 476 with glycine.
Molecular consequence: missense variant.
Genome position (GRCh38, 1-based): chr14:62,849,795, G>C on the plus strand (C>G on the coding strand, the complement: KCNH5 is on the minus strand). VCF-style: chr14-62849795-G-C. GRCh37 (hg19) VCF-style: chr14-63316513-G-C.
Other names: c.1427C>G, p.Ala476Gly (NM_172375.3); short protein forms A476G.
Identifiers: ClinVar variation 1391687 (VCV001391687.7), dbSNP rs922788543, ClinGen allele CA262392063.

ClinVar aggregate classification (germline): Uncertain significance (1 of 4 stars; one submission).

Conditions:
Early-infantile DEE. Also called: Early infantile epileptic encephalopathy with suppression bursts; Early infantile epileptic encephalopathy; Ohtahara syndrome. Identifiers: Orphanet 1934, MedGen C0393706, MONDO:0800491.

Allele frequency attached by ClinVar (database versions not stated): TOPMed 0.00001; gnomAD exomes below 0.00001 and 0.00002; gnomAD 0.00001.
gnomAD v4.1: 27 of 1,613,626 alleles (0.0017%); highest among the groups gnomAD compares: Non-Finnish European, 0.0022%; no homozygotes.

Submission:

Labcorp Genetics (formerly Invitae), Labcorp
Classification: Uncertain significance for Early-infantile DEE. Last evaluated: 2023-12-07. Review status: criteria provided, single submitter. Criteria: Invitae Variant Classification Sherloc (09022015). Collection method: clinical testing. Allele origin: germline.
Comment: This sequence change replaces alanine, which is neutral and non-polar, with glycine, which is neutral and non-polar, at codon 476 of the KCNH5 protein (p.Ala476Gly). This variant is present in population databases (no rsID available, gnomAD 0.0009%). This variant has not been reported in the literature in individuals affected with KCNH5-related conditions. ClinVar contains an entry for this variant (Variation ID: 1391687). An algorithm developed to predict the effect of missense changes on protein structure and function (PolyPhen-2) suggests that this variant is likely to be tolerated. In summary, the available evidence is currently insufficient to determine the role of this variant in disease. Therefore, it has been classified as a Variant of Uncertain Significance.